The following is an entry in ClinVar:

NM_000211.5(ITGB2):c.536del (p.Phe179fs)

Gene: ITGB2 (integrin subunit beta 2; minus strand). Cytogenetic location: 21q22.3.
Variant type: Deletion.
Coding change: c.536del on transcript NM_000211.5 (MANE Select); coding-DNA position 536, one base deleted (T; older notation c.536delT).
Protein change: p.Phe179fs; shifts the reading frame from phenylalanine 179.
Molecular consequence: frameshift variant.
Genome position (GRCh38, 1-based): chr21:44,901,697, A deleted on the plus strand (T on the coding strand, the reverse complement: ITGB2 is on the minus strand); the first of 2 consecutive A bases (chr21:44,901,697-44,901,698); deleting either gives the same sequence. VCF-style (leftmost placement, unchanged base first): chr21-44901696-GA-G. GRCh37 (hg19) VCF-style: chr21-46321611-GA-G.
Other names: c.536del, p.Phe179fs (NM_001127491.3); c.329del, p.Phe110fs (NM_001303238.2); short protein forms F179fs, F110fs.
Identifiers: ClinVar variation 3729523 (VCV003729523.2).

ClinVar aggregate classification (germline): Pathogenic (1 of 4 stars; one submission).

Conditions:
Leukocyte adhesion deficiency 1 (LAD1). Also called: LEUKOCYTE ADHESION DEFICIENCY, TYPE I; LAD 1; Lymphocyte function-associated antigen 1 immunodeficiency; LFA 1 immunodeficiency. Identifiers: Orphanet 2968, Orphanet 99842, MedGen C0398738, MONDO:0007293, OMIM 116920.

Submission:

Labcorp Genetics (formerly Invitae), Labcorp
Classification: Pathogenic for Leukocyte adhesion deficiency 1. Last evaluated: 2025-01-29. Review status: criteria provided, single submitter. Criteria: Invitae Variant Classification Sherloc (09022015). Collection method: clinical testing. Allele origin: germline.
Comment: This sequence change creates a premature translational stop signal (p.Phe179Serfs*2) in the ITGB2 gene. It is expected to result in an absent or disrupted protein product. Loss-of-function variants in ITGB2 are known to be pathogenic (PMID: 22134107, 25703682). This variant is present in population databases (no rsID available, gnomAD 0.0009%). This variant has not been reported in the literature in individuals affected with ITGB2-related conditions. For these reasons, this variant has been classified as Pathogenic.

Literature cited by the submitters: PubMed 22134107; PubMed 25703682.